The following is an entry in ClinVar:

ClinVar aggregate classification (germline): Pathogenic/Likely pathogenic. Review status: criteria provided, multiple submitters, no conflicts (2 of 4 stars). 5 submissions from 5 submitters: Pathogenic (2); Likely pathogenic (2). 1 of the submissions does not count toward it. Last evaluated 2025-11-24.

Conditions:
Propionic acidemia (PROP). Also called: GLYCINEMIA, KETOTIC; HYPERGLYCINEMIA WITH KETOACIDOSIS AND LEUKOPENIA; KETOTIC HYPERGLYCINEMIA. Identifiers: Orphanet 35, MedGen C0268579, MONDO:0011628, OMIM 606054, HP:0003571.

Allele frequency attached by ClinVar (database versions not stated): gnomAD exomes below 0.00001.

Submissions (5):

Labcorp Genetics (formerly Invitae), Labcorp
Classification: Pathogenic for Propionic acidemia. Last evaluated: 2025-11-24. Review status: criteria provided, single submitter. Criteria: Invitae Variant Classification Sherloc (09022015). Collection method: clinical testing. Allele origin: germline.
Comment: This sequence change creates a premature translational stop signal (p.Thr704Leufs*4) in the PCCA gene. While this is not anticipated to result in nonsense mediated decay, it is expected to disrupt the last 25 amino acid(s) of the PCCA protein. This variant is not present in population databases (gnomAD no frequency). This premature translational stop signal has been observed in individual(s) with propionic acidemia (PMID: 11592820). ClinVar contains an entry for this variant (Variation ID: 557479). This variant disrupts a region of the PCCA protein in which other variant(s) (p.Val710Alafs*23) have been determined to be pathogenic (internal data). This suggests that this is a clinically significant region of the protein, and that variants that disrupt it are likely to be disease-causing. For these reasons, this variant has been classified as Pathogenic.

Myriad Genetics, Inc.
Classification: Likely pathogenic for Propionic acidemia. Last evaluated: 2025-07-11. Review status: criteria provided, single submitter. Criteria: Myriad Autosomal Dominant, Autosomal Recessive and X-Linked Classification Criteria (2023). Collection method: clinical testing. Allele origin: unknown.
Comment: NM_000282.3(PCCA):c.2103delT(T704Lfs*4) is a frameshift variant classified as likely pathogenic in the context of PCCA-related propionic acidemia. T704Lfs*4 has been observed in a case with relevant disease (PMID: 11592820). Relevant functional assessments of this variant are not available in the literature. Internal structural analysis of the variant is supportive of pathogenicity. T704Lfs*4 has not been observed in referenced population frequency databases. In summary, NM_000282.3(PCCA):c.2103delT(T704Lfs*4) is a frameshift variant that has internal structural support for pathogenicity and has been observed more frequently in cases with the relevant disease than in healthy populations. Please note: this variant was assessed in the context of healthy population screening.

Natera, Inc.
Classification: Likely pathogenic for Propionic acidemia. Last evaluated: 2024-08-08. Review status: criteria provided, single submitter. Criteria: Natera Variant Classification Schema (03/2026). Collection method: clinical testing. Allele origin: germline.
Comment: The c.2103delT variant in PCCA is a frameshift variant predicted to shift the reading frame beginning at codon 704 and leads to a stop codon 4 codons downstream. This variant is expected to result in nonsense mediated decay, truncation, or a dysfunctional protein product. This variant is rare in the general population with a frequency below the threshold expected for the associated phenotype(s). This variant has been observed in one or more individuals affected with the associated recessive disease, as either homozygous or compound heterozygous with a second variant (PMID: 11592820). Given the available evidence, this variant is classified as Likely Pathogenic.

Baylor Genetics
Classification: Pathogenic for Propionic acidemia. Last evaluated: 2024-03-28. Review status: criteria provided, single submitter. Criteria: ACMG Guidelines, 2015. Collection method: clinical testing. Allele origin: unknown.

Counsyl
Classification: Likely pathogenic for Propionic acidemia. Last evaluated: 2018-03-28. Review status: no assertion criteria provided. Collection method: clinical testing. Allele origin: unknown. Not counted in ClinVar's aggregate classification.

Literature cited by the submitters: PubMed 11592820 (cited by 4 submitters); PubMed 8083196 (cited by Counsyl).

NM_000282.4(PCCA):c.2103del (p.Thr704fs)

Gene: PCCA (propionyl-CoA carboxylase subunit alpha; plus strand). Cytogenetic location: 13q32.3.
Variant type: Deletion.
Coding change: c.2103del on transcript NM_000282.4 (MANE Select); coding-DNA position 2103, one base deleted (T; older notation c.2103delT).
Protein change: p.Thr704fs; shifts the reading frame from threonine 704.
Molecular consequence: frameshift variant. On other transcripts: non-coding transcript variant (5).
Genome position (GRCh38, 1-based): chr13:100,527,737, T deleted. VCF-style (leftmost placement, unchanged base first): chr13-100527736-CT-C. GRCh37 (hg19) VCF-style: chr13-101179990-CT-C.
Other names: c.1962del, p.Thr657fs (NM_001178004.2); c.2049del, p.Thr686fs (NM_001352605.2); c.1959del, p.Thr656fs (NM_001352606.2); c.2025del, p.Thr678fs (NM_001127692.3); c.1884del, p.Thr631fs (NM_001352607.2); c.1881del, p.Thr630fs (NM_001352608.2); c.1158del, p.Thr389fs (NM_001352610.2); c.1104del, p.Thr371fs (NM_001352611.2); and 1 more; short protein forms T371fs, T631fs, T686fs, T341fs, T657fs, T678fs, T704fs, T630fs.
Identifiers: ClinVar variation 557479 (VCV000557479.13), dbSNP rs1555331314, ClinGen allele CA658823743.